The following is an entry in ClinVar:

ClinVar aggregate classification (germline): Uncertain significance (1 of 4 stars; one submission).

Conditions:
Generalized epilepsy with febrile seizures plus, type 7 (GEFSP7). Also called: GEFS+, TYPE 7. Identifiers: Orphanet 36387, MedGen C2751778, MONDO:0013470, OMIM 613863.
Neuropathy, hereditary sensory and autonomic, type 2A (HSAN2A). Also called: HSAN IIA; WNK1-Related HSAN2 (HSAN2A); MORVAN DISEASE; NEUROPATHY, CONGENITAL SENSORY; NEUROPATHY, HEREDITARY SENSORY RADICULAR, AUTOSOMAL RECESSIVE; NEUROPATHY, HEREDITARY SENSORY, TYPE IIA. Identifiers: Orphanet 970, MedGen C2752089, MONDO:0024309, OMIM 201300.

Allele frequency attached by ClinVar (database versions not stated): ExAC 0.00001; gnomAD 0.00001; gnomAD exomes 0.00001.

Submission:

Labcorp Genetics (formerly Invitae), Labcorp
Classification: Uncertain significance for Neuropathy, hereditary sensory and autonomic, type 2A; Generalized epilepsy with febrile seizures plus, type 7. Last evaluated: 2023-03-20. Review status: criteria provided, single submitter. Criteria: Invitae Variant Classification Sherloc (09022015). Collection method: clinical testing. Allele origin: germline.
Comment: In summary, the available evidence is currently insufficient to determine the role of this variant in disease. Therefore, it has been classified as a Variant of Uncertain Significance. Algorithms developed to predict the effect of missense changes on protein structure and function output the following: SIFT: "Not Available"; PolyPhen-2: "Benign"; Align-GVGD: "Not Available". The isoleucine amino acid residue is found in multiple mammalian species, which suggests that this missense change does not adversely affect protein function. ClinVar contains an entry for this variant (Variation ID: 663400). This variant has not been reported in the literature in individuals affected with SCN9A-related conditions. This variant is present in population databases (rs759465659, gnomAD 0.004%). This sequence change replaces methionine, which is neutral and non-polar, with isoleucine, which is neutral and non-polar, at codon 1363 of the SCN9A protein (p.Met1363Ile).

NM_001365536.1(SCN9A):c.4122G>A (p.Met1374Ile)

Genes: SCN9A (sodium voltage-gated channel alpha subunit 9; minus strand), SCN1A-AS1 (SCN1A and SCN9A antisense RNA 1; plus strand). Cytogenetic location: 2q24.3.
Variant type: single nucleotide variant.
Coding change: c.4122G>A on transcript NM_001365536.1 (MANE Select); coding-DNA position 4122, G replaced by A.
Protein change: p.Met1374Ile; replaces methionine 1374 with isoleucine.
Molecular consequence: missense variant.
Genome position (GRCh38, 1-based): chr2:166,228,775, C>T on the plus strand (G>A on the coding strand, the complement: SCN9A is on the minus strand). VCF-style: chr2-166228775-C-T. GRCh37 (hg19) VCF-style: chr2-167085285-C-T.
Other names: c.4089G>A, p.Met1363Ile (NM_002977.4); short protein forms M1374I, M1363I.
Identifiers: ClinVar variation 663400 (VCV000663400.9), dbSNP rs759465659, ClinGen allele CA1943947.